The following is an entry in ClinVar:

ClinVar aggregate classification (germline): Uncertain significance. Review status: criteria provided, multiple submitters, no conflicts (2 of 4 stars). 2 submissions from 2 submitters: Uncertain significance (2). Last evaluated 2023-09-20.

Conditions:
Gastrointestinal stromal tumor. Also called: Gastrointestinal stromal tumor, somatic; Gastrointestinal stroma tumor. Identifiers: Orphanet 44890, MedGen C0238198, MeSH D046152, MONDO:0011719, OMIM 606764, HP:0100723.
Hereditary cancer-predisposing syndrome. Also called: Hereditary Cancer Syndrome; Tumor predisposition; Neoplastic Syndromes, Hereditary; Hereditary neoplastic syndrome. Identifiers: Orphanet 140162, MedGen C0027672, MeSH D009386, MONDO:0015356.

Submissions (2):

Ambry Genetics
Classification: Uncertain significance for Hereditary cancer-predisposing syndrome. Last evaluated: 2023-09-20. Review status: criteria provided, single submitter. Criteria: Ambry Variant Classification Scheme 2023. Collection method: clinical testing. Allele origin: germline.
Comment: The p.Q26R variant (also known as c.77A>G), located in coding exon 2 of the KIT gene, results from an A to G substitution at nucleotide position 77. The glutamine at codon 26 is replaced by arginine, an amino acid with highly similar properties. This amino acid position is conserved. In addition, this alteration is predicted to be tolerated by in silico analysis. Since supporting evidence is limited at this time, the clinical significance of this alteration remains unclear.

Labcorp Genetics (formerly Invitae), Labcorp
Classification: Uncertain significance for Gastrointestinal stromal tumor. Last evaluated: 2021-08-28. Review status: criteria provided, single submitter. Criteria: Invitae Variant Classification Sherloc (09022015). Collection method: clinical testing. Allele origin: germline.
Comment: In summary, the available evidence is currently insufficient to determine the role of this variant in disease. Therefore, it has been classified as a Variant of Uncertain Significance. Algorithms developed to predict the effect of missense changes on protein structure and function (SIFT, PolyPhen-2, Align-GVGD) all suggest that this variant is likely to be tolerated, but these predictions have not been confirmed by published functional studies and their clinical significance is uncertain. This variant has not been reported in the literature in individuals with KIT-related disease. This variant is not present in population databases (ExAC no frequency). This sequence change replaces glutamine with arginine at codon 26 of the KIT protein (p.Gln26Arg). The glutamine residue is moderately conserved and there is a small physicochemical difference between glutamine and arginine.

NM_000222.3(KIT):c.77A>G (p.Gln26Arg)

Gene: KIT (KIT proto-oncogene, receptor tyrosine kinase; plus strand). Cytogenetic location: 4q12.
Variant type: single nucleotide variant.
Coding change: c.77A>G on transcript NM_000222.3 (MANE Select); coding-DNA position 77, A replaced by G.
Protein change: p.Gln26Arg; replaces glutamine 26 with arginine.
Molecular consequence: missense variant.
Genome position (GRCh38, 1-based): chr4:54,695,521, A>G. VCF-style: chr4-54695521-A-G. GRCh37 (hg19) VCF-style: chr4-55561687-A-G.
Other names: c.77A>G, p.Gln26Arg (NM_001093772.2, NM_001385284.1, NM_001385285.1 and 4 more transcripts); short protein forms Q26R.
Identifiers: ClinVar variation 579702 (VCV000579702.8), dbSNP rs1560393066, ClinGen allele CA356896799.